The following is an entry in ClinVar:

ClinVar aggregate classification (germline): Uncertain significance (1 of 4 stars; one submission).

Conditions:
Dyskeratosis congenita. Identifiers: Orphanet 1775, MedGen C0265965, MONDO:0015780.

gnomAD v4.1: 1 of 1,590,988 alleles (0.000063%); highest among the groups gnomAD compares: Non-Finnish European, 0.000085%; no homozygotes.

Submission:

Ambry Genetics
Classification: Uncertain significance for Dyskeratosis congenita. Last evaluated: 2025-06-05. Review status: criteria provided, single submitter. Criteria: Ambry Variant Classification Scheme 2023. Collection method: clinical testing. Allele origin: germline.
Comment: The p.R155C variant (also known as c.463C>T), located in coding exon 2 of the TERT gene, results from a C to T substitution at nucleotide position 463. The arginine at codon 155 is replaced by cysteine, an amino acid with highly dissimilar properties. This variant was reported in a study of patients with sporadic idiopathic pulmonary fibrosis (Dressen A et al. Lancet Respir Med, 2018 Aug;6:603-614). This amino acid position is poorly conserved in available vertebrate species. In addition, the in silico prediction for this alteration is inconclusive. Based on the available evidence, the clinical significance of this variant remains unclear.

Literature cited by the submitters: PubMed 29891356.

NM_198253.3(TERT):c.463C>T (p.Arg155Cys)

Gene: TERT (telomerase reverse transcriptase; minus strand). Cytogenetic location: 5p15.33.
Variant type: single nucleotide variant.
Coding change: c.463C>T on transcript NM_198253.3 (MANE Select); coding-DNA position 463, C replaced by T.
Protein change: p.Arg155Cys; replaces arginine 155 with cysteine.
Molecular consequence: missense variant. On other transcripts: non-coding transcript variant (2).
Genome position (GRCh38, 1-based): chr5:1,294,423, G>A on the plus strand (C>T on the coding strand, the complement: TERT is on the minus strand). VCF-style: chr5-1294423-G-A. GRCh37 (hg19) VCF-style: chr5-1294538-G-A.
Other names: c.463C>T, p.Arg155Cys (NM_001193376.3); short protein forms R155C.
Identifiers: ClinVar variation 3967332 (VCV003967332.1).